The following is an entry in ClinVar:

ClinVar aggregate classification (germline): Likely benign (1 of 4 stars; one submission).

Allele frequency attached by ClinVar (database versions not stated): gnomAD exomes 0.00065; ExAC 0.00125; gnomAD 0.00319; TOPMed 0.00345; ESP Exome Variant Server 0.00354; 1000 Genomes Project 0.00399; 1000 Genomes Project 30x 0.00437.

Submission:

CeGaT Center for Human Genetics Tuebingen
Classification: Likely benign. Last evaluated: 2022-03-01. Review status: criteria provided, single submitter. Criteria: CeGaT Center For Human Genetics Tuebingen Variant Classification Criteria Version 2. Collection method: clinical testing. Allele origin: germline. Affected: yes. Observed: 1 variant allele.
Comment: CYP2A6: BP4, BP7

NM_000762.6(CYP2A6):c.312A>G (p.Gln104=)

Gene: CYP2A6 (cytochrome P450 family 2 subfamily A member 6; minus strand). Cytogenetic location: 19q13.2.
Variant type: single nucleotide variant.
Coding change: c.312A>G on transcript NM_000762.6 (MANE Select); coding-DNA position 312, A replaced by G.
Protein change: p.Gln104=; no amino-acid change (glutamine 104 retained).
Molecular consequence: synonymous variant.
Genome position (GRCh38, 1-based): chr19:40,849,849, T>C on the plus strand (A>G on the coding strand, the complement: CYP2A6 is on the minus strand). VCF-style: chr19-40849849-T-C. GRCh37 (hg19) VCF-style: chr19-41355754-T-C.
Identifiers: ClinVar variation 2649914 (VCV002649914.24), dbSNP rs72549434, ClinGen allele CA9453191.
Genomic context (GRCh38, chr19:40,849,849, plus strand): 5'-CACCTTCCCCCTCTTGGGCACCCCCTCACCATAGCCTTTGAAGACCCAGTCGAAGGTGGC[T>C]TGCTCGCCTCGCCCGCTGAACTCCTCAGCCTGGTCCACCAGAGCCTCCCTGACGGCATCA-3'
Protein context (NP_000753.3, residues 94-114): QAEEFSGRGE[Gln104=]ATFDWVFKGY